The following is an entry in ClinVar:

NM_016239.4(MYO15A):c.6177+1G>T

Gene: MYO15A (myosin XVA; plus strand). Cytogenetic location: 17p11.2.
Variant type: single nucleotide variant.
Coding change: c.6177+1G>T on transcript NM_016239.4 (MANE Select); the canonical splice donor site of the intron after coding-DNA position 6177, G replaced by T.
Molecular consequence: splice donor variant.
Genome position (GRCh38, 1-based): chr17:18,144,001, G>T. VCF-style: chr17-18144001-G-T. GRCh37 (hg19) VCF-style: chr17-18047315-G-T.
Other names: c.6177+1G>T (NM_016239.3).
Identifiers: ClinVar variation 627458 (VCV000627458.34), dbSNP rs751142446, ClinGen allele CA398606020.

ClinVar aggregate classification (germline): Pathogenic. Review status: criteria provided, multiple submitters, no conflicts (2 of 4 stars). 6 submissions from 6 submitters: Pathogenic (5). 1 of the submissions does not count toward it. Last evaluated 2025-07-01.

Conditions:
Autosomal recessive nonsyndromic hearing loss 3. Also called: NEUROSENSORY NONSYNDROMIC RECESSIVE DEAFNESS 3. Identifiers: Orphanet 90636, MedGen C1838263, MONDO:0010860, OMIM 600316.

Allele frequency attached by ClinVar (database versions not stated): TOPMed 0.00002.

Submissions (6):

CeGaT Center for Human Genetics Tuebingen
Classification: Pathogenic. Last evaluated: 2025-07-01. Review status: criteria provided, single submitter. Criteria: CeGaT Center For Human Genetics Tuebingen Variant Classification Criteria Version 2. Collection method: clinical testing. Allele origin: germline. Affected: yes. Observed: 1 variant allele.
Comment: MYO15A: PM3:Very Strong, PVS1, PM2

ENT and Head and Neck Research Center and Department,  The Five Senses Health Institute, Iran University of Medical Sciences
Classification: Pathogenic for Autosomal recessive nonsyndromic hearing loss 3. Last evaluated: 2024-11-02. Review status: criteria provided, single submitter. Criteria: ClinGen HL ACMG Specifications v1. Collection method: clinical testing. Allele origin: germline. Affected: yes.
Comment: PVS1: Null variant (intronic within ±2 of splice site) in gene MYO15A. Loss-of-function is a known mechanism of disease (gene has 448 reported pathogenic LOF variants)., PM2: Variant not found in gnomAD genomes, good gnomAD genomes coverage = 33.6.-PP1: Segregation in one affected relative for recessive ,PM3: For recessive disorders, identifying a variant in trans,, PP5: Combined evidence strength is Moderate (score = 2).Moderate: ClinVar classifies this variant as Pathogenic, 2 stars (reviewed Dec '23, 3 submissions).

Juno Genomics, Hangzhou Juno Genomics, Inc
Classification: Pathogenic for Autosomal recessive nonsyndromic hearing loss 3. Review status: criteria provided, single submitter. Criteria: ACMG Guidelines, 2015. Collection method: clinical testing. Allele origin: germline. Affected: yes.
Comment: Absent from controls (or at extremely low frequency if recessive) in Genome Aggregation Database.;Null variant in a gene where loss of function (LOF) is a known mechanism of disease.;For recessive disorders, detected in trans with a pathogenic variant.

Molecular Diagnosis Center for Deafness
Classification: Pathogenic for Autosomal recessive nonsyndromic hearing loss 3. Review status: criteria provided, single submitter. Criteria: ClinGen HL ACMG Specifications v1. Collection method: clinical testing. Allele origin: paternal. Observed: 3 variant alleles.

Shenzhen Maternity and Child Healthcare Hospital, Institute of Maternal and Child Medicine Research
Classification: Pathogenic for Autosomal recessive nonsyndromic hearing loss 3. Review status: criteria provided, single submitter. Criteria: ClinGen HL ACMG Specifications v1. Collection method: clinical testing. Allele origin: paternal. Inheritance: Autosomal recessive inheritance. Affected: yes. Observed: 1 compound heterozygote.

Genetic Testing Center for Deafness, Department of Otolaryngology Head & Neck Surgery, Institute of Otolaryngology, Chinese PLA General Hospital
Classification: Likely pathogenic for Autosomal recessive nonsyndromic hearing loss 3. Last evaluated: 2019-02-26. Review status: no assertion criteria provided. Collection method: case-control. Allele origin: inherited. Affected: yes. Observed: 1 variant allele. Not counted in ClinVar's aggregate classification.

Literature cited by the submitters: DOI 10.1038/s41598-025-99417-7 (cited by ENT and Head and Neck Research Center and Department,  The Five Senses Health Institute, Iran University of Medical Sciences).